The following is an entry in ClinVar:

ClinVar aggregate classification (germline): Conflicting classifications of pathogenicity. Review status: criteria provided, conflicting classifications (1 of 4 stars). 7 submissions from 7 submitters: Uncertain significance (3); Benign (1); Likely benign (2). 1 of the submissions does not count toward it. Last evaluated 2026-01-28.

Conditions:
PYGM-related disorder. Also called: PYGM-related condition.
Glycogen storage disease, type V (GSD5). Also called: McArdle type glycogen storage disease; MYOPHOSPHORYLASE DEFICIENCY; PYGM DEFICIENCY; MCARDLE DISEASE; MUSCLE GLYCOGEN PHOSPHORYLASE DEFICIENCY. Identifiers: Orphanet 368, MedGen C0017924, MONDO:0009293, OMIM 232600.

Allele frequency attached by ClinVar (database versions not stated): gnomAD 0.00041 and 0.00042; ESP Exome Variant Server 0.00046; 1000 Genomes Project 30x 0.00016; 1000 Genomes Project 0.00020; ExAC 0.00030; TOPMed 0.00040.
gnomAD v4.1: 1,412 of 1,614,128 alleles (0.087%); highest among the groups gnomAD compares: Non-Finnish European, 0.11%; 3 homozygotes.

Submissions (7):

Labcorp Genetics (formerly Invitae), Labcorp
Classification: Likely benign for Glycogen storage disease, type V. Last evaluated: 2026-01-28. Review status: criteria provided, single submitter. Criteria: Invitae Variant Classification Sherloc (09022015). Collection method: clinical testing. Allele origin: germline.

GeneDx
Classification: Uncertain significance. Last evaluated: 2026-01-16. Review status: criteria provided, single submitter. Criteria: GeneDx Variant Classification Process June 2021. Collection method: clinical testing. Allele origin: germline. Affected: yes.
Comment: Reported in a patient with late-onset Pompe disease; however, additional clinical information was not provided (PMID: 37185710); In silico analysis suggests this variant may impact gene splicing. In the absence of RNA/functional studies, the actual effect of this sequence change is unknown.; This variant is associated with the following publications: (PMID: 37185710)

CeGaT Center for Human Genetics Tuebingen
Classification: Benign. Last evaluated: 2025-09-01. Review status: criteria provided, single submitter. Criteria: CeGaT Center For Human Genetics Tuebingen Variant Classification Criteria Version 2. Collection method: clinical testing. Allele origin: germline. Affected: yes. Observed: 2 variant alleles.
Comment: PYGM: BS1, BS2

Revvity Omics, Revvity
Classification: Uncertain significance for Glycogen storage disease, type V. Last evaluated: 2025-01-31. Review status: criteria provided, single submitter. Criteria: ACMG Guidelines, 2015. Collection method: clinical testing. Allele origin: germline.

Blueprint Genetics
Classification: Likely benign. Last evaluated: 2024-09-03. Review status: criteria provided, single submitter. Criteria: ACMG Guidelines, 2015. Collection method: clinical testing. Allele origin: germline.

Illumina Laboratory Services, Illumina
Classification: Uncertain significance for Glycogen storage disease, type V. Last evaluated: 2018-01-12. Review status: criteria provided, single submitter. Criteria: ICSL Variant Classification Criteria 13 December 2019. Collection method: clinical testing. Allele origin: germline.

PreventionGenetics, part of Exact Sciences
Classification: Likely benign for PYGM-related condition. Last evaluated: 2019-06-21. Review status: no assertion criteria provided. Collection method: clinical testing. Allele origin: germline. Not counted in ClinVar's aggregate classification.
Comment: This variant is classified as likely benign based on ACMG/AMP sequence variant interpretation guidelines (Richards et al. 2015 PMID: 25741868, with internal and published modifications).

NM_005609.4(PYGM):c.1692C>T (p.Phe564=)

Gene: PYGM (glycogen phosphorylase, muscle associated; minus strand). Cytogenetic location: 11q13.1.
Variant type: single nucleotide variant.
Coding change: c.1692C>T on transcript NM_005609.4 (MANE Select); coding-DNA position 1692, C replaced by T.
Protein change: p.Phe564=; no amino-acid change (phenylalanine 564 retained).
Molecular consequence: synonymous variant.
Genome position (GRCh38, 1-based): chr11:64,752,000, G>A on the plus strand (C>T on the coding strand, the complement: PYGM is on the minus strand). VCF-style: chr11-64752000-G-A. GRCh37 (hg19) VCF-style: chr11-64519472-G-A.
Other names: c.1428C>T, p.Phe476= (NM_001164716.1).
Identifiers: ClinVar variation 382747 (VCV000382747.41), dbSNP rs116812032, ClinGen allele CA6079779.
Genomic context (GRCh38, chr11:64,752,000, plus strand): 5'-GACATGGAGGCAGTTGAGGAGCTGTCGTTTATATTCGTGAATCCGCTTCACCTGGATGTC[G>A]AAGAGTGAGTTGGGGTTGATGTGGACTTTGTATTCCCTCTCTAGGTAGGCAGCAAACTTC-3'
Protein context (NP_005600.1, residues 554-574): YKVHINPNSL[Phe564=]DIQVKRIHEY